The following is an entry in ClinVar:

NM_006031.6(PCNT):c.9694C>T (p.Arg3232Cys)

Gene: PCNT (pericentrin; plus strand). Cytogenetic location: 21q22.3.
Variant type: single nucleotide variant.
Coding change: c.9694C>T on transcript NM_006031.6 (MANE Select); coding-DNA position 9694, C replaced by T.
Protein change: p.Arg3232Cys; replaces arginine 3232 with cysteine.
Molecular consequence: missense variant.
Genome position (GRCh38, 1-based): chr21:46,442,567, C>T. VCF-style: chr21-46442567-C-T. GRCh37 (hg19) VCF-style: chr21-47862480-C-T.
Other names: c.9103C>T, p.Arg3035Cys (NM_001315529.2); short protein forms R3232C, R3035C.
Identifiers: ClinVar variation 896315 (VCV000896315.8), dbSNP rs537151957, ClinGen allele CA10081416.

ClinVar aggregate classification (germline): Uncertain significance. Review status: criteria provided, multiple submitters, no conflicts (2 of 4 stars). 4 submissions from 4 submitters: Uncertain significance (3). 1 of the submissions does not count toward it. Last evaluated 2023-05-17.

Conditions:
Microcephalic osteodysplastic primordial dwarfism type II (MOPD2). Also called: Microcephalic osteodysplastic primordial dwarfism with tooth abnormalities; MOPD II; OSTEODYSPLASTIC PRIMORDIAL DWARFISM, TYPE II. Identifiers: Orphanet 2637, MedGen C0432246, MONDO:0008872, OMIM 210720.
Inborn genetic diseases. Identifiers: MedGen C0950123, MeSH D030342.
PCNT-related disorder. Also called: PCNT-related condition.

Allele frequency attached by ClinVar (database versions not stated): gnomAD 0.00001 and 0.00011; TOPMed 0.00002; gnomAD exomes 0.00013 and 0.00022; ExAC 0.00034; 1000 Genomes Project 30x 0.00062; 1000 Genomes Project 0.00080.
gnomAD v4.1: 208 of 1,603,478 alleles (0.013%); highest among the groups gnomAD compares: South Asian, 0.2%; no homozygotes.

Submissions (4):

Ambry Genetics
Classification: Uncertain significance for Inborn genetic diseases. Last evaluated: 2023-05-17. Review status: criteria provided, single submitter. Criteria: Ambry Variant Classification Scheme 2023. Collection method: clinical testing. Allele origin: germline.

Labcorp Genetics (formerly Invitae), Labcorp
Classification: Uncertain significance. Last evaluated: 2022-05-03. Review status: criteria provided, single submitter. Criteria: Invitae Variant Classification Sherloc (09022015). Collection method: clinical testing. Allele origin: germline.
Comment: This sequence change replaces arginine, which is basic and polar, with cysteine, which is neutral and slightly polar, at codon 3232 of the PCNT protein (p.Arg3232Cys). This variant is present in population databases (rs537151957, gnomAD 0.2%). This variant has not been reported in the literature in individuals affected with PCNT-related conditions. ClinVar contains an entry for this variant (Variation ID: 896315). Algorithms developed to predict the effect of missense changes on protein structure and function are either unavailable or do not agree on the potential impact of this missense change (SIFT: "Deleterious"; PolyPhen-2: "Possibly Damaging"; Align-GVGD: "Class C0"). In summary, the available evidence is currently insufficient to determine the role of this variant in disease. Therefore, it has been classified as a Variant of Uncertain Significance.

Illumina Laboratory Services, Illumina
Classification: Uncertain significance for Microcephalic osteodysplastic primordial dwarfism type II. Last evaluated: 2018-01-13. Review status: criteria provided, single submitter. Criteria: ICSL Variant Classification Criteria 13 December 2019. Collection method: clinical testing. Allele origin: germline.

PreventionGenetics, part of Exact Sciences
Classification: Likely benign for PCNT-related condition. Last evaluated: 2024-05-27. Review status: no assertion criteria provided. Collection method: clinical testing. Allele origin: germline. Not counted in ClinVar's aggregate classification.
Comment: This variant is classified as likely benign based on ACMG/AMP sequence variant interpretation guidelines (Richards et al. 2015 PMID: 25741868, with internal and published modifications).